The following is an entry in ClinVar:

NM_001355436.2(SPTB):c.5799-1G>C

Gene: SPTB (spectrin beta, erythrocytic; minus strand). Cytogenetic location: 14q23.3.
Variant type: single nucleotide variant.
Coding change: c.5799-1G>C on transcript NM_001355436.2 (MANE Select); the canonical splice acceptor site of the intron before coding-DNA position 5799, G replaced by C.
Molecular consequence: splice acceptor variant.
Genome position (GRCh38, 1-based): chr14:64,769,729, C>G on the plus strand (G>C on the coding strand, the complement: SPTB is on the minus strand). VCF-style: chr14-64769729-C-G. GRCh37 (hg19) VCF-style: chr14-65236447-C-G.
Other names: c.5799-1G>C (NM_001024858.4, NM_001355437.2).
Identifiers: ClinVar variation 3766731 (VCV003766731.2).
Genomic context (GRCh38, chr14:64,769,729, plus strand): 5'-TCAATCTCTGCATTGATGCCCTGGTGATACTTCATGAGCAGTTCCACAGAGGAGACATCC[C>G]TGGGGGACAGGAGGACAAGGGAAGAAGGGAACTCTGGGTCACTCTGGCCTGCCTCTGTGT-3'

ClinVar aggregate classification (germline): Pathogenic/Likely pathogenic. Review status: criteria provided, multiple submitters, no conflicts (2 of 4 stars). 2 submissions from 2 submitters: Pathogenic (1); Likely pathogenic (1). Last evaluated 2025-09-03.

Submissions (2):

Labcorp Genetics (formerly Invitae), Labcorp
Classification: Likely pathogenic. Last evaluated: 2025-09-03. Review status: criteria provided, single submitter. Criteria: Invitae Variant Classification Sherloc (09022015). Collection method: clinical testing. Allele origin: germline.
Comment: This sequence change affects an acceptor splice site in intron 26 of the SPTB gene. It is expected to disrupt RNA splicing. Variants that disrupt the donor or acceptor splice site typically lead to a loss of protein function (PMID: 16199547), and loss-of-function variants in SPTB are known to be pathogenic (PMID: 1391962, 1498324, 8844207, 26830532, 27292444). This variant is not present in population databases (gnomAD no frequency). Disruption of this splice site has been observed in individual(s) with clinical features of hereditary spherocytosis (internal data). ClinVar contains an entry for this variant (Variation ID: 3766731). Algorithms developed to predict the effect of sequence changes on RNA splicing suggest that this variant may disrupt the consensus splice site. In summary, the currently available evidence indicates that the variant is pathogenic, but additional data are needed to prove that conclusively. Therefore, this variant has been classified as Likely Pathogenic.

ARUP Laboratories, Molecular Genetics and Genomics, ARUP Laboratories
Classification: Pathogenic. Last evaluated: 2023-12-19. Review status: criteria provided, single submitter. Criteria: ARUP Molecular Germline Variant Investigation Process 2024. Collection method: clinical testing. Allele origin: germline.
Comment: The SPTB c.5799-1G>C variant, to our knowledge, is not reported in the medical literature or gene specific databases. This variant is also absent from the Genome Aggregation Database, indicating it is not a common polymorphism. This variant disrupts the canonical splice acceptor site of intron 27, which is likely to negatively impact gene function. Based on available information, this variant is considered to be pathogenic.

Literature cited by the submitters: PubMed 16199547 (cited by Labcorp Genetics (formerly Invitae), Labcorp); PubMed 1391962 (cited by Labcorp Genetics (formerly Invitae), Labcorp); PubMed 1498324 (cited by Labcorp Genetics (formerly Invitae), Labcorp); PubMed 8844207 (cited by Labcorp Genetics (formerly Invitae), Labcorp); PubMed 26830532 (cited by Labcorp Genetics (formerly Invitae), Labcorp); PubMed 27292444 (cited by Labcorp Genetics (formerly Invitae), Labcorp).